The following is an entry in ClinVar:

ClinVar aggregate classification (germline): Pathogenic (1 of 4 stars; one submission).

Conditions:
CHARGE syndrome (CHARGE). Also called: Hittner Hirsch Kreh syndrome; CHARGE ASSOCIATION--COLOBOMA, HEART ANOMALY, CHOANAL ATRESIA, RETARDATION, GENITAL AND EAR ANOMALIES; Coloboma, heart anomaly, choanal atresia, retardation, genital and ear anomalies; CHARGE association; Hall-Hittner syndrome. Identifiers: Orphanet 138, MedGen C0265354, MONDO:0008965.

Submission:

Labcorp Genetics (formerly Invitae), Labcorp
Classification: Pathogenic for CHARGE syndrome. Last evaluated: 2024-11-15. Review status: criteria provided, single submitter. Criteria: Invitae Variant Classification Sherloc (09022015). Collection method: clinical testing. Allele origin: germline.
Comment: This sequence change falls in intron 7 of the CHD7 gene. It does not directly change the encoded amino acid sequence of the CHD7 protein. It affects a nucleotide within the consensus splice site. This variant is not present in population databases (gnomAD no frequency). This variant has been observed in individual(s) with clinical features of CHARGE syndrome (internal data). In at least one individual the variant was observed to be de novo. Variants that disrupt the consensus splice site are a relatively common cause of aberrant splicing (PMID: 17576681, 9536098). Algorithms developed to predict the effect of sequence changes on RNA splicing suggest that this variant may disrupt the consensus splice site. For these reasons, this variant has been classified as Pathogenic.

Literature cited by the submitters: PubMed 17576681; PubMed 9536098.

NM_017780.4(CHD7):c.2498+5G>A

Gene: CHD7 (chromodomain helicase DNA binding protein 7; plus strand). Cytogenetic location: 8q12.2.
Variant type: single nucleotide variant.
Coding change: c.2498+5G>A on transcript NM_017780.4 (MANE Select); 5 bases into the intron after coding-DNA position 2498, G replaced by A.
Molecular consequence: intron variant.
Genome position (GRCh38, 1-based): chr8:60,808,277, G>A. VCF-style: chr8-60808277-G-A. GRCh37 (hg19) VCF-style: chr8-61720836-G-A.
Other names: c.1716+27227G>A (NM_001316690.1).
Identifiers: ClinVar variation 3654299 (VCV003654299.2).